The following is an entry in ClinVar:

ClinVar aggregate classification (germline): Likely benign. Review status: criteria provided, multiple submitters, no conflicts (2 of 4 stars). 2 submissions from 2 submitters: Likely benign (2). Last evaluated 2025-03-26.

Conditions:
Peutz-Jeghers syndrome (PJS). Also called: Peutz-Jeghers polyposis; Periorificial lentiginosis syndrome; POLYPOSIS, HAMARTOMATOUS INTESTINAL; POLYPS-AND-SPOTS SYNDROME. Identifiers: Orphanet 2869, MedGen C0031269, MeSH D010580, MONDO:0008280, OMIM 175200.

Allele frequency attached by ClinVar (database versions not stated): ExAC 0.00002.

Submissions (2):

Myriad Genetics, Inc.
Classification: Likely benign for Peutz-Jeghers syndrome. Last evaluated: 2025-03-26. Review status: criteria provided, single submitter. Criteria: Myriad Autosomal Dominant, Autosomal Recessive and X-Linked Classification Criteria (2023). Collection method: clinical testing. Allele origin: unknown.
Comment: This variant is considered likely benign. This variant is intronic and is not expected to impact mRNA splicing.

Labcorp Genetics (formerly Invitae), Labcorp
Classification: Likely benign for Peutz-Jeghers syndrome. Last evaluated: 2024-04-18. Review status: criteria provided, single submitter. Criteria: Invitae Variant Classification Sherloc (09022015). Collection method: clinical testing. Allele origin: germline.

NM_000455.5(STK11):c.465-15G>A

Gene: STK11 (serine/threonine kinase 11; plus strand). Cytogenetic location: 19p13.3.
Variant type: single nucleotide variant.
Coding change: c.465-15G>A on transcript NM_000455.5 (MANE Select); 15 bases into the intron before coding-DNA position 465, G replaced by A.
Molecular consequence: intron variant.
Genome position (GRCh38, 1-based): chr19:1,220,358, G>A. VCF-style: chr19-1220358-G-A. GRCh37 (hg19) VCF-style: chr19-1220357-G-A.
Identifiers: ClinVar variation 1594405 (VCV001594405.9), dbSNP rs765010137, ClinGen allele CA047849.
Genomic context (GRCh38, chr19:1,220,358, plus strand): 5'-CCAGGCAGCTGCAAAGGGGACCCCTGTGAGGGGCAGGGAGGCCTCGGCCCCAGGACGGGT[G>A]TGTGCTGCCCGCAGGTACTTCTGTCAGCTGATTGACGGCCTGGAGTACCTGCATAGCCAG-3'